The following is an entry in ClinVar:

NM_003240.5(LEFTY2):c.887C>T (p.Thr296Ile)

Gene: LEFTY2 (left-right determination factor 2; minus strand). Cytogenetic location: 1q42.12.
Variant type: single nucleotide variant.
Coding change: c.887C>T on transcript NM_003240.5 (MANE Select); coding-DNA position 887, C replaced by T.
Protein change: p.Thr296Ile; replaces threonine 296 with isoleucine.
Molecular consequence: missense variant.
Genome position (GRCh38, 1-based): chr1:225,937,655, G>A on the plus strand (C>T on the coding strand, the complement: LEFTY2 is on the minus strand). VCF-style: chr1-225937655-G-A. GRCh37 (hg19) VCF-style: chr1-226125355-G-A.
Other names: c.785C>T, p.Thr262Ile (NM_001172425.3); short protein forms T262I, T296I.
Identifiers: ClinVar variation 1718586 (VCV001718586.5), dbSNP rs762760884, ClinGen allele CA1420452.

ClinVar aggregate classification (germline): Uncertain significance (1 of 4 stars; one submission).

Conditions:
Left-right axis malformations. Identifiers: MedGen C1866091.

Allele frequency attached by ClinVar (database versions not stated): ExAC 0.00001.

Submission:

Labcorp Genetics (formerly Invitae), Labcorp
Classification: Uncertain significance for Left-right axis malformations. Last evaluated: 2022-07-19. Review status: criteria provided, single submitter. Criteria: Invitae Variant Classification Sherloc (09022015). Collection method: clinical testing. Allele origin: germline.
Comment: In summary, the available evidence is currently insufficient to determine the role of this variant in disease. Therefore, it has been classified as a Variant of Uncertain Significance. Algorithms developed to predict the effect of missense changes on protein structure and function are either unavailable or do not agree on the potential impact of this missense change (SIFT: "Deleterious"; PolyPhen-2: "Possibly Damaging"; Align-GVGD: "Class C0"). This variant has not been reported in the literature in individuals affected with LEFTY2-related conditions. This variant is present in population databases (rs762760884, gnomAD 0.006%). This sequence change replaces threonine, which is neutral and polar, with isoleucine, which is neutral and non-polar, at codon 296 of the LEFTY2 protein (p.Thr296Ile).